The following is an entry in ClinVar:

NM_002661.5(PLCG2):c.432-3C>T

Gene: PLCG2 (phospholipase C gamma 2; plus strand). Cytogenetic location: 16q23.3.
Variant type: single nucleotide variant.
Coding change: c.432-3C>T on transcript NM_002661.5 (MANE Select); 3 bases into the intron before coding-DNA position 432, C replaced by T.
Molecular consequence: intron variant.
Genome position (GRCh38, 1-based): chr16:81,859,113, C>T. VCF-style: chr16-81859113-C-T. GRCh37 (hg19) VCF-style: chr16-81892718-C-T.
Other names: p.?.
Identifiers: ClinVar variation 540110 (VCV000540110.42), dbSNP rs147749022, ClinGen allele CA8193215.
Genomic context (GRCh38, chr16:81,859,113, plus strand): 5'-TAGACTTGTGCTATTTTCTAATTTTCTCTTTCTCTCTTTCTTTTGTCTCATATTTCTTTC[C>T]AGTTGGCTGAGAAAGCAGATATATTCTGTGGATCAAACCAGAAGAAACAGGTAAGAGTCA-3'

ClinVar aggregate classification (germline): Likely benign. Review status: criteria provided, multiple submitters, no conflicts (2 of 4 stars). 8 submissions from 8 submitters: Likely benign (5). 3 of the submissions do not count toward it. Last evaluated 2026-01-26.

Conditions:
Familial cold autoinflammatory syndrome 3 (FCAS3). Also called: FAMILIAL ATYPICAL COLD URTICARIA; ANTIBODY DEFICIENCY AND IMMUNE DYSREGULATION, PLCG2-ASSOCIATED. Identifiers: Orphanet 300359, MedGen C3280914, MONDO:0013766, OMIM 614468.
Autoinflammation-PLCG2-associated antibody deficiency-immune dysregulation. Also called: Autoinflammation, antibody deficiency, and immune dysregulation, plcg2-associated; AUTOINFLAMMATION, ANTIBODY DEFICIENCY, AND IMMUNE DYSREGULATION; Autoinflammation, antibody deficiency, and immune dysregulation syndrome. Identifiers: Orphanet 324530, MedGen C3553961, MONDO:0013944, OMIM 614878.
PLCG2-related disorder. Also called: PLCG2-related condition.

Allele frequency attached by ClinVar (database versions not stated): 1000 Genomes Project 30x 0.00016; 1000 Genomes Project 0.00020; ExAC 0.00054; gnomAD exomes 0.00058 and 0.00139; ESP Exome Variant Server 0.00085; gnomAD 0.00088 and 0.00094; TOPMed 0.00111.
gnomAD v4.1: 2,087 of 1,567,326 alleles (0.13%); highest among the groups gnomAD compares: Non-Finnish European, 0.17%; 1 homozygote.

Submissions (8):

Labcorp Genetics (formerly Invitae), Labcorp
Classification: Likely benign for Familial cold autoinflammatory syndrome 3. Last evaluated: 2026-01-26. Review status: criteria provided, single submitter. Criteria: Invitae Variant Classification Sherloc (09022015). Collection method: clinical testing. Allele origin: germline.

CeGaT Center for Human Genetics Tuebingen
Classification: Likely benign. Last evaluated: 2026-01-01. Review status: criteria provided, single submitter. Criteria: CeGaT Center For Human Genetics Tuebingen Variant Classification Criteria Version 2. Collection method: clinical testing. Allele origin: germline. Affected: yes. Observed: 6 variant alleles.
Comment: PLCG2: BP4, BS1

Mayo Clinic Laboratories, Mayo Clinic
Classification: Likely benign. Last evaluated: 2025-01-08. Review status: criteria provided, single submitter. Criteria: ACMG Guidelines, 2015. Collection method: clinical testing. Allele origin: germline. Observed: 4 variant alleles.
Comment: BS1, BP4, BP7

Blueprint Genetics
Classification: Likely benign. Last evaluated: 2024-11-21. Review status: criteria provided, single submitter. Criteria: ACMG Guidelines, 2015. Collection method: clinical testing. Allele origin: germline.

Fulgent Genetics
Classification: Likely benign for Familial cold autoinflammatory syndrome 3; Autoinflammation-PLCG2-associated antibody deficiency-immune dysregulation. Last evaluated: 2022-05-04. Review status: criteria provided, single submitter. Criteria: ACMG Guidelines, 2015. Collection method: clinical testing. Allele origin: unknown.

PreventionGenetics, part of Exact Sciences
Classification: Likely benign for PLCG2-related condition. Last evaluated: 2019-04-10. Review status: no assertion criteria provided. Collection method: clinical testing. Allele origin: germline. Not counted in ClinVar's aggregate classification.
Comment: This variant is classified as likely benign based on ACMG/AMP sequence variant interpretation guidelines (Richards et al. 2015 PMID: 25741868, with internal and published modifications).

Clinical Genetics DNA and cytogenetics Diagnostics Lab, Erasmus MC, Erasmus Medical Center
Classification: Likely benign. Review status: no assertion criteria provided. Collection method: clinical testing. Allele origin: germline. Affected: yes. Study: VKGL Data-share Consensus. Not counted in ClinVar's aggregate classification.

Genome Diagnostics Laboratory, University Medical Center Utrecht
Classification: Likely benign. Review status: no assertion criteria provided. Collection method: clinical testing. Allele origin: germline. Affected: yes. Study: VKGL Data-share Consensus. Not counted in ClinVar's aggregate classification.